The following is an entry in ClinVar:

ClinVar aggregate classification (germline): Uncertain significance. Review status: criteria provided, multiple submitters, no conflicts (2 of 4 stars). 3 submissions from 3 submitters: Uncertain significance (2). 1 of the submissions does not count toward it. Last evaluated 2025-06-12.

Conditions:
DMXL2-related disorder. Also called: DMXL2-related condition.
Inborn genetic diseases. Identifiers: MedGen C0950123, MeSH D030342.

Allele frequency attached by ClinVar (database versions not stated): gnomAD exomes below 0.00001; ExAC 0.00001; gnomAD 0.00001; TOPMed 0.00001; 1000 Genomes Project 30x 0.00016; 1000 Genomes Project 0.00020.
gnomAD v4.1: 9 of 1,613,958 alleles (0.00056%); highest among the groups gnomAD compares: East Asian, 0.011%; no homozygotes.

Submissions (3):

Ambry Genetics
Classification: Uncertain significance for Inborn genetic diseases. Last evaluated: 2025-06-12. Review status: criteria provided, single submitter. Criteria: Ambry Variant Classification Scheme 2023. Collection method: clinical testing. Allele origin: germline.

Labcorp Genetics (formerly Invitae), Labcorp
Classification: Uncertain significance. Last evaluated: 2024-05-22. Review status: criteria provided, single submitter. Criteria: Invitae Variant Classification Sherloc (09022015). Collection method: clinical testing. Allele origin: germline.
Comment: This sequence change replaces glutamine, which is neutral and polar, with histidine, which is basic and polar, at codon 1088 of the DMXL2 protein (p.Gln1088His). This variant is not present in population databases (gnomAD no frequency). This variant has not been reported in the literature in individuals affected with DMXL2-related conditions. ClinVar contains an entry for this variant (Variation ID: 2634829). An algorithm developed to predict the effect of missense changes on protein structure and function (PolyPhen-2) suggests that this variant is likely to be disruptive. In summary, the available evidence is currently insufficient to determine the role of this variant in disease. Therefore, it has been classified as a Variant of Uncertain Significance.

PreventionGenetics, part of Exact Sciences
Classification: Uncertain significance for DMXL2-related condition. Last evaluated: 2024-03-27. Review status: no assertion criteria provided. Collection method: clinical testing. Allele origin: germline. Not counted in ClinVar's aggregate classification.
Comment: The DMXL2 c.3264G>C variant is predicted to result in the amino acid substitution p.Gln1088His. To our knowledge, this variant has not been reported in the literature. This variant is reported in 0.0055% of alleles in individuals of East Asian descent in gnomAD. At this time, the clinical significance of this variant is uncertain due to the absence of conclusive functional and genetic evidence.

NM_001378457.1(DMXL2):c.3264G>C (p.Gln1088His)

Gene: DMXL2 (Dmx like 2; minus strand). Cytogenetic location: 15q21.2.
Variant type: single nucleotide variant.
Coding change: c.3264G>C on transcript NM_001378457.1 (MANE Select); coding-DNA position 3264, G replaced by C.
Protein change: p.Gln1088His; replaces glutamine 1088 with histidine.
Molecular consequence: missense variant. On other transcripts: non-coding transcript variant (2), intron variant (2).
Genome position (GRCh38, 1-based): chr15:51,499,960, C>G on the plus strand (G>C on the coding strand, the complement: DMXL2 is on the minus strand). VCF-style: chr15-51499960-C-G. GRCh37 (hg19) VCF-style: chr15-51792157-C-G.
Other names: c.3264G>C, p.Gln1088His (NM_001174116.3, NM_001378458.1, NM_001378459.1 and 4 more transcripts); c.3024G>C, p.Gln1008His (NM_001378464.1); c.2764+7174G>C (NM_001378460.1); c.2765-4826G>C (NM_001174117.3); short protein forms Q1008H, Q1088H.
Identifiers: ClinVar variation 2634829 (VCV002634829.5), dbSNP rs188824243, ClinGen allele CA7562187.